The following is an entry in ClinVar:

NM_001166108.2(PALLD):c.367G>A (p.Ala123Thr)

Gene: PALLD (palladin, cytoskeletal associated protein; plus strand). Cytogenetic location: 4q32.3.
Variant type: single nucleotide variant.
Coding change: c.367G>A on transcript NM_001166108.2 (MANE Select); coding-DNA position 367, G replaced by A.
Protein change: p.Ala123Thr; replaces alanine 123 with threonine.
Molecular consequence: missense variant.
Genome position (GRCh38, 1-based): chr4:168,511,871, G>A. VCF-style: chr4-168511871-G-A. GRCh37 (hg19) VCF-style: chr4-169433022-G-A.
Other names: c.367G>A, p.Ala123Thr (NM_016081.4); short protein forms A123T.
Identifiers: ClinVar variation 1733867 (VCV001733867.2), dbSNP rs1335260810, ClinGen allele CA358725611.

ClinVar aggregate classification (germline): Uncertain significance (1 of 4 stars; one submission).

Allele frequency attached by ClinVar (database versions not stated): gnomAD exomes below 0.00001; gnomAD 0.00001; TOPMed 0.00002.

Submission:

Ambry Genetics
Classification: Uncertain significance. Last evaluated: 2023-10-26. Review status: criteria provided, single submitter. Criteria: Ambry Variant Classification Scheme 2023. Collection method: clinical testing. Allele origin: germline.
Comment: The p.A123T variant (also known as c.367G>A), located in coding exon 1 of the PALLD gene, results from a G to A substitution at nucleotide position 367. The alanine at codon 123 is replaced by threonine, an amino acid with similar properties. This amino acid position is conserved. In addition, this alteration is predicted to be tolerated by in silico analysis. Since supporting evidence is limited at this time, the clinical significance of this alteration remains unclear.